The following is an entry in ClinVar:

NM_017802.4(DNAAF5):c.780+6T>A

Gene: DNAAF5 (dynein axonemal assembly factor 5; plus strand). Cytogenetic location: 7p22.3.
Variant type: single nucleotide variant.
Coding change: c.780+6T>A on transcript NM_017802.4 (MANE Select); 6 bases into the intron after coding-DNA position 780, T replaced by A.
Molecular consequence: intron variant.
Genome position (GRCh38, 1-based): chr7:729,853, T>A. VCF-style: chr7-729853-T-A. GRCh37 (hg19) VCF-style: chr7-769490-T-A.
Identifiers: ClinVar variation 525514 (VCV000525514.6), dbSNP rs903588155, ClinGen allele CA152334457.

ClinVar aggregate classification (germline): Uncertain significance. Review status: criteria provided, multiple submitters, no conflicts (2 of 4 stars). 2 submissions from 2 submitters: Uncertain significance (2). Last evaluated 2024-11-04.

Conditions:
Primary ciliary dyskinesia. Also called: Ciliary dyskinesia. Identifiers: Orphanet 244, MedGen C0008780, MONDO:0016575, HP:0012265.
DNAAF5-related disorder. Also called: DNAAF5-related condition.

Allele frequency attached by ClinVar (database versions not stated): gnomAD exomes below 0.00001; gnomAD 0.00005 and 0.00007; TOPMed 0.00018.
gnomAD v4.1: 20 of 1,613,886 alleles (0.0012%); highest among the groups gnomAD compares: Admixed American, 0.022%; no homozygotes.

Submissions (2):

Labcorp Genetics (formerly Invitae), Labcorp
Classification: Uncertain significance for Primary ciliary dyskinesia. Last evaluated: 2024-11-04. Review status: criteria provided, single submitter. Criteria: Invitae Variant Classification Sherloc (09022015). Collection method: clinical testing. Allele origin: germline.
Comment: This sequence change falls in intron 2 of the DNAAF5 gene. It does not directly change the encoded amino acid sequence of the DNAAF5 protein. It affects a nucleotide within the consensus splice site. This variant is present in population databases (no rsID available, gnomAD 0.003%). This variant has not been reported in the literature in individuals affected with DNAAF5-related conditions. ClinVar contains an entry for this variant (Variation ID: 525514). Variants that disrupt the consensus splice site are a relatively common cause of aberrant splicing (PMID: 17576681, 9536098). Algorithms developed to predict the effect of sequence changes on RNA splicing suggest that this variant is not likely to affect RNA splicing. In summary, the available evidence is currently insufficient to determine the role of this variant in disease. Therefore, it has been classified as a Variant of Uncertain Significance.

PreventionGenetics, part of Exact Sciences
Classification: Uncertain significance for DNAAF5-related condition. Last evaluated: 2023-01-17. Review status: criteria provided, single submitter. Criteria: ACMG Guidelines, 2015. Collection method: clinical testing. Allele origin: germline.
Comment: The DNAAF5 c.780+6T>A variant is predicted to interfere with splicing. This variant may have a minimal impact on splicing based on available splicing prediction programs (Alamut Visual Plus v1.6.1). However, such computer prediction programs are imperfect. To our knowledge, this variant has not been reported in the literature. This variant is reported in 0.0029% of alleles in individuals of Latino descent in gnomAD. Although we suspect that this variant may be benign, at this time, the clinical significance of this variant is uncertain due to the absence of conclusive functional and genetic evidence.

Literature cited by the submitters: PubMed 17576681 (cited by Labcorp Genetics (formerly Invitae), Labcorp); PubMed 9536098 (cited by Labcorp Genetics (formerly Invitae), Labcorp).